The following is an entry in ClinVar:

NM_000352.6(ABCC8):c.4072_4073delinsT (p.Lys1358fs)

Gene: ABCC8 (ATP binding cassette subfamily C member 8; minus strand). Cytogenetic location: 11p15.1.
Variant type: Indel.
Coding change: c.4072_4073delinsT on transcript NM_000352.6 (MANE Select); coding-DNA positions 4072 to 4073, AA replaced by T.
Protein change: p.Lys1358fs; shifts the reading frame from lysine 1358.
Molecular consequence: frameshift variant. On other transcripts: non-coding transcript variant (1).
Genome position (GRCh38, 1-based): chr11:17,396,962-17,396,963, TT replaced by A on the plus strand (AA replaced by T on the coding strand, the reverse complement: ABCC8 is on the minus strand). VCF-style: chr11-17396962-TT-A. GRCh37 (hg19) VCF-style: chr11-17418509-TT-A.
Other names: c.4075_4076delinsT, p.Lys1359fs (NM_001287174.3); c.4138_4139delinsT, p.Lys1380fs (NM_001351295.2); c.4072_4073delinsT, p.Lys1358fs (NM_001351296.2); c.4069_4070delinsT, p.Lys1357fs (NM_001351297.2); short protein forms K1358fs, K1380fs, K1357fs, K1359fs.
Identifiers: ClinVar variation 370948 (VCV000370948.4), dbSNP rs1057516890, ClinGen allele CA16041438.
Genomic context (GRCh38, chr11:17,396,962, plus strand): 5'-GCCCGTGCTCTGACCTTCTGTCCAGGGGCGATGAGGGCATTGACGTGCTTCAGCACCGGC[TT>A]CAGGGAGCTGTCGTAGCGCACGCTCAGGTTCTGGATCTGGATCTTCCCTTGGTCTGGCCA-3'

ClinVar aggregate classification (germline): Uncertain significance. Review status: criteria provided, single submitter (1 of 4 stars). 3 submissions from 2 submitters: Uncertain significance (2). 1 of the submissions does not count toward it.

Conditions:
Transitory neonatal diabetes mellitus. Also called: Transient neonatal diabetes mellitus. Identifiers: MedGen C0342273, MONDO:0020525, HP:0008255.
Maturity-onset diabetes of the young (MODY). Also called: Maturity onset diabetes mellitus in young. Identifiers: Orphanet 552, MedGen C0342276, MONDO:0018911, HP:0004904.
Hyperinsulinemic hypoglycemia, familial, 1 (HHF1). Also called: Persistent Hyperinsulinemia Hypoglycemia of Infancy; HYPERINSULINISM, FAMILIAL, WITH PANCREATIC NESIDIOBLASTOSIS; HYPOGLYCEMIA, HYPERINSULINEMIC, OF INFANCY; NESIDIOBLASTOSIS OF PANCREAS; Persistent hyperinsulinemic hypoglycemia of infancy. Identifiers: Orphanet 276575, Orphanet 276598, MedGen C2931832, MONDO:0009734, OMIM 256450.

Submissions (3):

Clinical Genomics, Uppaluri K&H Personalized Medicine Clinic
Classification: Uncertain significance for Transitory neonatal diabetes mellitus. Review status: criteria provided, single submitter. Criteria: K & H Uppaluri Personalized Medicine Clinic Variant Classification & Assertion Criteria_Updated V.1. Collection method: research. Allele origin: somatic. Inheritance: Somatic mutation.
Comment: Mutations in ABCC8 gene are associated with both neonatal diabetes mellitus as well as MODY. Patients with this mutation may have a better response to sulfonylureas. However, no sufficient evidence is found to ascertain the role of this particular variant (rs1057516890) in neonatal diabetes yet.

Clinical Genomics, Uppaluri K&H Personalized Medicine Clinic
Classification: Uncertain significance for Maturity-onset diabetes of the young. Review status: criteria provided, single submitter. Criteria: K & H Uppaluri Personalized Medicine Clinic Variant Classification & Assertion Criteria_Updated V.1. Collection method: research. Allele origin: somatic. Inheritance: Somatic mutation.
Comment: Mutations in ABCC8 gene are associated with both neonatal diabetes mellitus as well as MODY. Patients with this mutation may have a better response to sulfonylureas. However, no sufficient evidence is found to ascertain the role of this particular variant (rs1057516890) in MODY yet.

Counsyl
Classification: Likely pathogenic for Hyperinsulinemic hypoglycemia, familial, 1. Last evaluated: 2016-05-23. Review status: no assertion criteria provided. Collection method: clinical testing. Allele origin: unknown. Not counted in ClinVar's aggregate classification.

Literature cited by the submitters: PubMed 16885549 (cited by Clinical Genomics, Uppaluri K&H Personalized Medicine Clinic); PubMed 21989597 (cited by Clinical Genomics, Uppaluri K&H Personalized Medicine Clinic); PubMed 27538677 (cited by Clinical Genomics, Uppaluri K&H Personalized Medicine Clinic); PubMed 18981553 (cited by Clinical Genomics, Uppaluri K&H Personalized Medicine Clinic); PubMed 32027066 (cited by Clinical Genomics, Uppaluri K&H Personalized Medicine Clinic); PubMed 16613899 (cited by Clinical Genomics, Uppaluri K&H Personalized Medicine Clinic); PubMed 18025408 (cited by Clinical Genomics, Uppaluri K&H Personalized Medicine Clinic); PubMed 32792356 (cited by Clinical Genomics, Uppaluri K&H Personalized Medicine Clinic).